The following is an entry in ClinVar:

ClinVar aggregate classification (germline): Uncertain significance (1 of 4 stars; one submission).

Conditions:
Developmental delay, behavioral abnormalities, and neuropsychiatric disorders (DEDBANP). Identifiers: MedGen C5774224, MONDO:0859292, OMIM 620065.

gnomAD v4.1: 1 of 1,613,506 alleles (0.000062%); highest among the groups gnomAD compares: Non-Finnish European, 0.000085%; no homozygotes.

Submission:

Juno Genomics, Hangzhou Juno Genomics, Inc
Classification: Uncertain significance for Developmental delay, behavioral abnormalities, and neuropsychiatric disorders. Review status: criteria provided, single submitter. Criteria: ACMG Guidelines, 2015. Collection method: clinical testing. Allele origin: germline.
Comment: Absent from controls (or at extremely low frequency if recessive) in Genome Aggregation Database.;Missense variant in a gene that has a low rate of benign missense variation.

NM_014921.5(ADGRL1):c.496G>A (p.Gly166Ser)

Genes: ADGRL1 (adhesion G protein-coupled receptor L1; minus strand), ADGRL1-AS1 (ADGRL1 antisense RNA 1; plus strand). Cytogenetic location: 19p13.12.
Variant type: single nucleotide variant.
Coding change: c.496G>A on transcript NM_014921.5 (MANE Select); coding-DNA position 496, G replaced by A.
Protein change: p.Gly166Ser; replaces glycine 166 with serine.
Molecular consequence: missense variant.
Genome position (GRCh38, 1-based): chr19:14,163,305, C>T on the plus strand (G>A on the coding strand, the complement: ADGRL1 is on the minus strand). VCF-style: chr19-14163305-C-T. GRCh37 (hg19) VCF-style: chr19-14274117-C-T.
Other names: c.511G>A, p.Gly171Ser (NM_001008701.3); short protein forms G166S, G171S.
Identifiers: ClinVar variation 5005948 (VCV005005948.2).
Genomic context (GRCh38, chr19:14,163,305, plus strand): 5'-CATACTCAGTCAGTGTGTCCGTGCGGTAGGGGATCCAGGGCATCACGTAGATGCGGTCAC[C>T]CGCCTGCAGCGGGTCCTTGCACCATGCGCCAGACTGGTGCTCTGACTCGTGTGTCGAGGT-3'
Protein context (NP_055736.2, residues 156-176): GAWCKDPLQA[Gly166Ser]DRIYVMPWIP